The following is an entry in ClinVar:

ClinVar aggregate classification (germline): Uncertain significance (1 of 4 stars; one submission).

Conditions:
Inflammatory skin and bowel disease, neonatal, 1. Identifiers: Orphanet 294023, MedGen C3280501, MONDO:0013693, OMIM 614328.

Submission:

Labcorp Genetics (formerly Invitae), Labcorp
Classification: Uncertain significance for Inflammatory skin and bowel disease, neonatal, 1. Last evaluated: 2020-12-27. Review status: criteria provided, single submitter. Criteria: Invitae Variant Classification Sherloc (09022015). Collection method: clinical testing. Allele origin: germline.
Comment: This sequence change replaces arginine with threonine at codon 77 of the ADAM17 protein (p.Arg77Thr). The arginine residue is highly conserved and there is a moderate physicochemical difference between arginine and threonine. This variant also falls at the last nucleotide of exon 2, which is part of the consensus splice site for this exon. This variant is not present in population databases (ExAC no frequency). This variant has not been reported in the literature in individuals with ADAM17-related conditions. Algorithms developed to predict the effect of missense changes on protein structure and function are either unavailable or do not agree on the potential impact of this missense change (SIFT: "Not Available"; PolyPhen-2: "Possibly Damaging"; Align-GVGD: "Not Available"). Nucleotide substitutions within the consensus splice site are a relatively common cause of aberrant splicing (PMID: 17576681, 9536098). Experimental studies and prediction algorithms are not available or were not evaluated, and the effect of this variant on mRNA splicing is currently unknown. In summary, the available evidence is currently insufficient to determine the role of this variant in disease. Therefore, it has been classified as a Variant of Uncertain Significance.

Literature cited by the submitters: PubMed 17576681; PubMed 9536098.

NM_003183.6(ADAM17):c.230G>C (p.Arg77Thr)

Gene: ADAM17 (ADAM metallopeptidase domain 17; minus strand). Cytogenetic location: 2p25.1.
Variant type: single nucleotide variant.
Coding change: c.230G>C on transcript NM_003183.6 (MANE Select); coding-DNA position 230, G replaced by C.
Protein change: p.Arg77Thr; replaces arginine 77 with threonine.
Molecular consequence: missense variant. On other transcripts: 5 prime UTR variant (2).
Genome position (GRCh38, 1-based): chr2:9,543,153, C>G on the plus strand (G>C on the coding strand, the complement: ADAM17 is on the minus strand). VCF-style: chr2-9543153-C-G. GRCh37 (hg19) VCF-style: chr2-9683282-C-G.
Other names: c.-451G>C (NM_001382777.1); c.-693G>C (NM_001382778.1); short protein forms R77T.
Identifiers: ClinVar variation 1360714 (VCV001360714.6), dbSNP rs2125040735, ClinGen allele CA345787642.